The following is an entry in ClinVar:

ClinVar aggregate classification (germline): Uncertain significance (1 of 4 stars; one submission).

Allele frequency attached by ClinVar (database versions not stated): gnomAD exomes below 0.00001; ExAC 0.00001.
gnomAD v4.1: 2 of 1,614,172 alleles (0.00012%); highest among the groups gnomAD compares: Non-Finnish European, 0.00017%; no homozygotes.

Submission:

Labcorp Genetics (formerly Invitae), Labcorp
Classification: Uncertain significance. Last evaluated: 2022-09-07. Review status: criteria provided, single submitter. Criteria: Invitae Variant Classification Sherloc (09022015). Collection method: clinical testing. Allele origin: germline.
Comment: In summary, the available evidence is currently insufficient to determine the role of this variant in disease. Therefore, it has been classified as a Variant of Uncertain Significance. Algorithms developed to predict the effect of missense changes on protein structure and function output the following: SIFT: "Tolerated"; PolyPhen-2: "Benign"; Align-GVGD: "Class C0". The glutamic acid amino acid residue is found in multiple mammalian species, which suggests that this missense change does not adversely affect protein function. ClinVar contains an entry for this variant (Variation ID: 1466606). This variant has not been reported in the literature in individuals affected with CD40-related conditions. This variant is present in population databases (rs747283803, gnomAD no frequency). This sequence change replaces lysine, which is basic and polar, with glutamic acid, which is acidic and polar, at codon 170 of the CD40 protein (p.Lys170Glu).

NM_001250.6(CD40):c.508A>G (p.Lys170Glu)

Gene: CD40 (CD40 molecule; plus strand). Cytogenetic location: 20q13.12.
Variant type: single nucleotide variant.
Coding change: c.508A>G on transcript NM_001250.6 (MANE Select); coding-DNA position 508, A replaced by G.
Protein change: p.Lys170Glu; replaces lysine 170 with glutamic acid.
Molecular consequence: missense variant. On other transcripts: non-coding transcript variant (1), intron variant (2).
Genome position (GRCh38, 1-based): chr20:46,126,650, A>G. VCF-style: chr20-46126650-A-G. GRCh37 (hg19) VCF-style: chr20-44755289-A-G.
Other names: c.508A>G, p.Lys170Glu (NM_001302753.2, NM_001322421.2, NM_001362758.2); c.498-1488A>G (NM_152854.4); c.404-1488A>G (NM_001322422.2); short protein forms K170E.
Identifiers: ClinVar variation 1466606 (VCV001466606.7), dbSNP rs747283803, ClinGen allele CA9888505.
Genomic context (GRCh38, chr20:46,126,650, plus strand): 5'-ATCTCTTTCTTTCTCTGTGTGTGTGCATTTGTGCACGTGTCTGTGCATAGCTGTGAGACC[A>G]AAGACCTGGTTGTGCAACAGGCAGGCACAAACAAGACTGATGTTGTCTGTGGTGAGTCCT-3'
Protein context (NP_001241.1, residues 160-180): KCHPWTSCET[Lys170Glu]DLVVQQAGTN